The following is an entry in ClinVar:

ClinVar aggregate classification (germline): Uncertain significance. Review status: criteria provided, multiple submitters, no conflicts (2 of 4 stars). 2 submissions from 2 submitters: Uncertain significance (2). Last evaluated 2025-09-13.

Conditions:
Primary familial hypertrophic cardiomyopathy (HCM). Identifiers: Orphanet 99739, MedGen C0949658, MeSH D024741, MONDO:0024573. Inheritance: Various modes of inheritance.
Dilated cardiomyopathy 1AA (CMD1AA). Also called: Cardiomyopathy, dilated, 1AA, with or without LVNC; CARDIOMYOPATHY, DILATED, 1AA, WITH OR WITHOUT LEFT VENTRICULAR NONCOMPACTION; CARDIOMYOPATHY, FAMILIAL HYPERTROPHIC, 23, WITH OR WITHOUT LEFT VENTRICULAR NONCOMPACTION. Identifiers: Orphanet 154, MedGen C2677338, MONDO:0012808, OMIM 612158.

Submissions (2):

Labcorp Genetics (formerly Invitae), Labcorp
Classification: Uncertain significance for Primary familial hypertrophic cardiomyopathy; Dilated cardiomyopathy 1AA. Last evaluated: 2025-09-13. Review status: criteria provided, single submitter. Criteria: Invitae Variant Classification Sherloc (09022015). Collection method: clinical testing. Allele origin: germline.
Comment: This sequence change replaces methionine, which is neutral and non-polar, with leucine, which is neutral and non-polar, at codon 536 of the ACTN2 protein (p.Met536Leu). This variant is not present in population databases (gnomAD no frequency). This variant has not been reported in the literature in individuals affected with ACTN2-related conditions. ClinVar contains an entry for this variant (Variation ID: 577304). Invitae Evidence Modeling of protein sequence and biophysical properties (such as structural, functional, and spatial information, amino acid conservation, physicochemical variation, residue mobility, and thermodynamic stability) indicates that this missense variant is not expected to disrupt ACTN2 protein function with a negative predictive value of 80%. In summary, the available evidence is currently insufficient to determine the role of this variant in disease. Therefore, it has been classified as a Variant of Uncertain Significance.

Blueprint Genetics
Classification: Uncertain significance. Last evaluated: 2021-02-26. Review status: criteria provided, single submitter. Criteria: ACMG Guidelines, 2015. Collection method: clinical testing. Allele origin: germline.

NM_001103.4(ACTN2):c.1606A>C (p.Met536Leu)

Gene: ACTN2 (actinin alpha 2; plus strand). Cytogenetic location: 1q43.
Variant type: single nucleotide variant.
Coding change: c.1606A>C on transcript NM_001103.4 (MANE Select); coding-DNA position 1606, A replaced by C.
Protein change: p.Met536Leu; replaces methionine 536 with leucine.
Molecular consequence: missense variant.
Genome position (GRCh38, 1-based): chr1:236,749,214, A>C. VCF-style: chr1-236749214-A-C. GRCh37 (hg19) VCF-style: chr1-236912514-A-C.
Other names: c.1606A>C, p.Met536Leu (NM_001278343.2); c.982A>C, p.Met328Leu (NM_001278344.2); short protein forms M536L, M328L.
Identifiers: ClinVar variation 577304 (VCV000577304.8), dbSNP rs755708114, ClinGen allele CA345384911.
Genomic context (GRCh38, chr1:236,749,214, plus strand): 5'-CAGCTTCACCTGGAGTTTGCCAAGAGGGCTGCTCCTTTCAACAATTGGATGGAGGGCGCT[A>C]TGGAGGATCTGCAAGATATGTTCATTGTCCACAGCATTGAGGAGATCCAGGTAATGGAAC-3'
Protein context (NP_001094.1, residues 526-546): APFNNWMEGA[Met536Leu]EDLQDMFIVH